The following is an entry in ClinVar:

ClinVar aggregate classification (germline): Uncertain significance (1 of 4 stars; one submission).

Conditions:
Ullrich congenital muscular dystrophy 2 (UCMD2). Identifiers: Orphanet 75840, MedGen C4225314, MONDO:0014654, OMIM 616470.
Bethlem myopathy 2 (BTHLM2). Identifiers: Orphanet 536516, Orphanet 610, MedGen C4225313, MONDO:0034022, OMIM 616471.

Submission:

Labcorp Genetics (formerly Invitae), Labcorp
Classification: Uncertain significance for Bethlem myopathy 2; Ullrich congenital muscular dystrophy 2. Last evaluated: 2025-10-02. Review status: criteria provided, single submitter. Criteria: Invitae Variant Classification Sherloc (09022015). Collection method: clinical testing. Allele origin: germline.
Comment: This sequence change falls in intron 59 of the COL12A1 gene. It does not directly change the encoded amino acid sequence of the COL12A1 protein. The frequency data for this variant in the population databases is considered unreliable, as metrics indicate poor data quality at this position in the gnomAD database. This variant has not been reported in the literature in individuals affected with COL12A1-related conditions. Experimental studies and prediction algorithms are not available or were not evaluated, and the effect of this variant on mRNA splicing is currently unknown. In summary, the available evidence is currently insufficient to determine the role of this variant in disease. Therefore, it has been classified as a Variant of Uncertain Significance.

NM_004370.6(COL12A1):c.8578-36_8578-14del

Gene: COL12A1 (collagen type XII alpha 1 chain; minus strand). Cytogenetic location: 6q13.
Variant type: Deletion.
Coding change: c.8578-36_8578-14del on transcript NM_004370.6 (MANE Select); 36 bases into the intron before coding-DNA position 8578 through 14 bases into the intron before coding-DNA position 8578, 23 bases deleted (GTCATAACAGTCCCCTTCCCTTT).
Molecular consequence: intron variant.
Genome position (GRCh38, 1-based): chr6:75,095,193-75,095,215, AAAGGGAAGGGGACTGTTATGAC deleted on the plus strand (GTCATAACAGTCCCCTTCCCTTT on the coding strand, the reverse complement: COL12A1 is on the minus strand); deleting any 23 consecutive bases within chr6:75,095,193-75,095,223 gives the same sequence; the c. name uses the placement nearest the transcript's 3' end. VCF-style (leftmost placement, unchanged base first): chr6-75095192-GAAAGGGAAGGGGACTGTTATGAC-G. GRCh37 (hg19) VCF-style: chr6-75804908-GAAAGGGAAGGGGACTGTTATGAC-G.
Other names: c.5086-36_5086-14del (NM_001424116.1, NM_080645.3); c.8305-36_8305-14del (NM_001424115.1); c.8557-36_8557-14del (NM_001424114.1); c.8578-36_8578-14del (NM_001424113.1).
Identifiers: ClinVar variation 4793818 (VCV004793818.1).